The following is an entry in ClinVar:

NM_024422.6(DSC2):c.565G>A (p.Glu189Lys)

Gene: DSC2 (desmocollin 2; minus strand). Cytogenetic location: 18q12.1.
Variant type: single nucleotide variant.
Coding change: c.565G>A on transcript NM_024422.6 (MANE Select); coding-DNA position 565, G replaced by A.
Protein change: p.Glu189Lys; replaces glutamic acid 189 with lysine.
Molecular consequence: missense variant.
Genome position (GRCh38, 1-based): chr18:31,089,504, C>T on the plus strand (G>A on the coding strand, the complement: DSC2 is on the minus strand). VCF-style: chr18-31089504-C-T. GRCh37 (hg19) VCF-style: chr18-28669467-C-T.
Other names: c.565G>A, p.Glu189Lys (NM_004949.5); short protein forms E189K.
Identifiers: ClinVar variation 2775191 (VCV002775191.2), dbSNP rs267605148, ClinGen allele CA297641863.
Genomic context (GRCh38, chr18:31,089,504, plus strand): 5'-AAGATTCATACTGCTCACGATCTACAGGACGAGTACAATACAAGTTTCCAGTGTCTCTCT[C>T]CACATAAAATAAATTCCGAGGTTCTTGGTCAACTCCAGGACCTCTTATGGAATAGTATAT-3'
Protein context (NP_077740.1, residues 179-199): DQEPRNLFYV[Glu189Lys]RDTGNLYCTR

ClinVar aggregate classification (germline): Uncertain significance (1 of 4 stars; one submission).

Conditions:
Cardiomyopathy (CMYO). Also called: Cardiomyopathies. Identifiers: Orphanet 167848, MedGen C0878544, MONDO:0004994, HP:0001638. Inheritance: Various modes of inheritance.

gnomAD v4.1: 1 of 1,613,994 alleles (0.000062%); no homozygotes.

Submission:

Color Diagnostics, LLC DBA Color Health
Classification: Uncertain significance for Cardiomyopathy. Last evaluated: 2024-01-04. Review status: criteria provided, single submitter. Criteria: ACMG Guidelines, 2015. Collection method: clinical testing. Allele origin: germline.
Comment: This missense variant replaces glutamic acid with lysine at codon 189 of the DSC2 protein. Computational prediction is inconclusive regarding the impact of this variant on protein structure and function (internally defined REVEL score threshold 0.5 < inconclusive < 0.7, PMID: 27666373). To our knowledge, functional studies have not been reported for this variant. This variant has been reported in homozygous state in two siblings affected with dilated cardiomyopathy from a consanguineous family, and in heterozygous state in the parents and another three siblings who were all clinically unaffected (PMID: 36672924). This variant has not been identified in the general population by the Genome Aggregation Database (gnomAD). The available evidence is insufficient to determine the role of this variant in disease conclusively. Therefore, this variant is classified as a Variant of Uncertain Significance.

Literature cited by the submitters: PubMed 36672924.